The following is an entry in ClinVar:

ClinVar aggregate classification (germline): Uncertain significance (1 of 4 stars; one submission).

Submission:

Ambry Genetics
Classification: Uncertain significance. Last evaluated: 2023-10-25. Review status: criteria provided, single submitter. Criteria: Ambry Variant Classification Scheme 2023. Collection method: clinical testing. Allele origin: germline.
Comment: The p.G2225V variant (also known as c.6674G>T), located in coding exon 22 of the POLQ gene, results from a G to T substitution at nucleotide position 6674. The glycine at codon 2225 is replaced by valine, an amino acid with dissimilar properties. This amino acid position is conserved. In addition, this alteration is predicted to be tolerated by in silico analysis. Since supporting evidence is limited at this time, the clinical significance of this alteration remains unclear.

NM_199420.4(POLQ):c.6674G>T (p.Gly2225Val)

Gene: POLQ (DNA polymerase theta; minus strand). Cytogenetic location: 3q13.33.
Variant type: single nucleotide variant.
Coding change: c.6674G>T on transcript NM_199420.4 (MANE Select); coding-DNA position 6674, G replaced by T.
Protein change: p.Gly2225Val; replaces glycine 2225 with valine.
Molecular consequence: missense variant.
Genome position (GRCh38, 1-based): chr3:121,472,034, C>A on the plus strand (G>T on the coding strand, the complement: POLQ is on the minus strand). VCF-style: chr3-121472034-C-A. GRCh37 (hg19) VCF-style: chr3-121190881-C-A.
Other names: short protein forms G2225V.
Identifiers: ClinVar variation 3230114 (VCV003230114.1), dbSNP rs2546773334, ClinGen allele CA354085211.